The following is an entry in ClinVar:

ClinVar aggregate classification (germline): Likely pathogenic. Review status: criteria provided, multiple submitters, no conflicts (2 of 4 stars). 2 submissions from 2 submitters: Likely pathogenic (2). Last evaluated 2023-05-05.

Submissions (2):

Mayo Clinic Laboratories, Mayo Clinic
Classification: Likely pathogenic. Last evaluated: 2023-05-05. Review status: criteria provided, single submitter. Criteria: ACMG Guidelines, 2015. Collection method: clinical testing. Allele origin: germline. Observed: 1 variant allele.
Comment: PM2, PVS1

Revvity Omics, Revvity
Classification: Likely pathogenic. Last evaluated: 2021-12-30. Review status: criteria provided, single submitter. Criteria: ACMG Guidelines, 2015. Collection method: clinical testing. Allele origin: germline.

NM_001355436.2(SPTB):c.4924C>T (p.Gln1642Ter)

Gene: SPTB (spectrin beta, erythrocytic; minus strand). Cytogenetic location: 14q23.3.
Variant type: single nucleotide variant.
Coding change: c.4924C>T on transcript NM_001355436.2 (MANE Select); coding-DNA position 4924, C replaced by T.
Protein change: p.Gln1642Ter; replaces glutamine 1642 with a stop codon.
Molecular consequence: nonsense.
Genome position (GRCh38, 1-based): chr14:64,774,446, G>A on the plus strand (C>T on the coding strand, the complement: SPTB is on the minus strand). VCF-style: chr14-64774446-G-A. GRCh37 (hg19) VCF-style: chr14-65241164-G-A.
Other names: p.Gln1642*; c.4924C>T, p.Gln1642Ter (NM_001024858.4, NM_001355437.2); short protein forms Q1642*.
Identifiers: ClinVar variation 2433823 (VCV002433823.4), dbSNP rs1459384589, ClinGen allele CA390043108.